The following is an entry in ClinVar:

ClinVar aggregate classification (germline): Pathogenic. Review status: criteria provided, multiple submitters, no conflicts (2 of 4 stars). 2 submissions from 2 submitters: Pathogenic (2). Last evaluated 2023-09-29.

Conditions:
Polyglucosan body myopathy type 1 (PGBM1). Also called: Polyglucosan body myopathy 1 with or without immunodeficiency; POLYGLUCOSAN BODY MYOPATHY WITHOUT IMMUNODEFICIENCY. Identifiers: Orphanet 329173, Orphanet 397937, MedGen C4014605, MONDO:0014389, OMIM 615895.

Submissions (2):

Kariminejad - Najmabadi Pathology & Genetics Center
Classification: Pathogenic for Polyglucosan body myopathy type 1. Last evaluated: 2023-09-29. Review status: criteria provided, single submitter. Criteria: ACMG Guidelines, 2015. Collection method: clinical testing. Allele origin: germline. Inheritance: Autosomal recessive inheritance. Affected: yes.

Labcorp Genetics (formerly Invitae), Labcorp
Classification: Pathogenic for Polyglucosan body myopathy type 1. Last evaluated: 2022-09-10. Review status: criteria provided, single submitter. Criteria: Invitae Variant Classification Sherloc (09022015). Collection method: clinical testing. Allele origin: germline.
Comment: This sequence change creates a premature translational stop signal (p.Cys371Leufs*13) in the RBCK1 gene. It is expected to result in an absent or disrupted protein product. Loss-of-function variants in RBCK1 are known to be pathogenic (PMID: 2379848, 23104095, 23889995). This variant is not present in population databases (gnomAD no frequency). This variant has not been reported in the literature in individuals affected with RBCK1-related conditions. Algorithms developed to predict the effect of sequence changes on RNA splicing suggest that this variant may disrupt the consensus splice site. For these reasons, this variant has been classified as Pathogenic.

Literature cited by the submitters: PubMed 2379848 (cited by Labcorp Genetics (formerly Invitae), Labcorp); PubMed 23104095 (cited by Labcorp Genetics (formerly Invitae), Labcorp); PubMed 23889995 (cited by Labcorp Genetics (formerly Invitae), Labcorp).

NM_031229.4(RBCK1):c.1111dup (p.Cys371fs)

Gene: RBCK1 (RANBP2-type and C3HC4-type zinc finger containing 1; plus strand). Cytogenetic location: 20p13.
Variant type: Duplication.
Coding change: c.1111dup on transcript NM_031229.4 (MANE Select); coding-DNA position 1111, one base duplicated (T; older notation c.1111dupT).
Protein change: p.Cys371fs; shifts the reading frame from cysteine 371.
Molecular consequence: frameshift variant. On other transcripts: non-coding transcript variant (1).
Genome position (GRCh38, 1-based): chr20:427,394, T duplicated; the last of 2 consecutive T bases (chr20:427,393-427,394); duplicating either gives the same sequence. VCF-style (leftmost placement, unchanged base first): chr20-427392-A-AT. GRCh37 (hg19) VCF-style: chr20-408036-A-AT.
Other names: c.601dup, p.Cys201fs (NM_001323956.2, NM_001323958.2); c.1162dup, p.Cys388Leufs (NM_001410770.1); c.985dup, p.Cys329fs (NM_006462.6); short protein forms C329fs, C371fs, C201fs.
Identifiers: ClinVar variation 2029817 (VCV002029817.5), dbSNP rs2514545949, ClinGen allele CA2580097953.